The following is an entry in ClinVar:

ClinVar aggregate classification (germline): Likely pathogenic (1 of 4 stars; one submission).

gnomAD v4.1: 3 of 1,614,030 alleles (0.00019%); highest among the groups gnomAD compares: Non-Finnish European, 0.00025%; no homozygotes.

Submission:

Labcorp Genetics (formerly Invitae), Labcorp
Classification: Likely pathogenic. Last evaluated: 2023-05-18. Review status: criteria provided, single submitter. Criteria: Invitae Variant Classification Sherloc (09022015). Collection method: clinical testing. Allele origin: germline.
Comment: Algorithms developed to predict the effect of sequence changes on RNA splicing suggest that this variant may disrupt the consensus splice site. This variant has not been reported in the literature in individuals affected with TSEN54-related conditions. This variant is not present in population databases (gnomAD no frequency). This sequence change affects a donor splice site in intron 6 of the TSEN54 gene. It is expected to disrupt RNA splicing. Variants that disrupt the donor or acceptor splice site typically lead to a loss of protein function (PMID: 16199547), and loss-of-function variants in TSEN54 are known to be pathogenic (PMID: 18711368, 20952379). In summary, the currently available evidence indicates that the variant is pathogenic, but additional data are needed to prove that conclusively. Therefore, this variant has been classified as Likely Pathogenic.

Literature cited by the submitters: PubMed 16199547; PubMed 18711368; PubMed 20952379.

NM_207346.3(TSEN54):c.521+1G>A

Gene: TSEN54 (tRNA splicing endonuclease subunit 54; plus strand). Cytogenetic location: 17q25.1.
Variant type: single nucleotide variant.
Coding change: c.521+1G>A on transcript NM_207346.3 (MANE Select); the canonical splice donor site of the intron after coding-DNA position 521, G replaced by A.
Molecular consequence: splice donor variant.
Genome position (GRCh38, 1-based): chr17:75,519,048, G>A. VCF-style: chr17-75519048-G-A. GRCh37 (hg19) VCF-style: chr17-73515129-G-A.
Identifiers: ClinVar variation 2865378 (VCV002865378.3), dbSNP rs2546154115, ClinGen allele CA401027933.